The following is an entry in ClinVar:

ClinVar aggregate classification (germline): Uncertain significance (1 of 4 stars; one submission).

Conditions:
Combined immunodeficiency due to CD3gamma deficiency. Also called: CD3-GAMMA DEFICIENCY; SCID-LIKE IMMUNODEFICIENCY, T CELL-PARTIAL, B CELL-POSITIVE, NK CELL-POSITIVE; Immunodeficiency 17; Immunodeficiency 17, CD3 gamma deficient. Identifiers: Orphanet 169082, MedGen C3810107, MONDO:0014276, OMIM 615607.

Submission:

Labcorp Genetics (formerly Invitae), Labcorp
Classification: Uncertain significance for Combined immunodeficiency due to CD3gamma deficiency. Last evaluated: 2022-11-01. Review status: criteria provided, single submitter. Criteria: Invitae Variant Classification Sherloc (09022015). Collection method: clinical testing. Allele origin: germline.
Comment: In summary, the available evidence is currently insufficient to determine the role of this variant in disease. Therefore, it has been classified as a Variant of Uncertain Significance. Algorithms developed to predict the effect of missense changes on protein structure and function (SIFT, PolyPhen-2, Align-GVGD) all suggest that this variant is likely to be disruptive. ClinVar contains an entry for this variant (Variation ID: 1461017). This variant has not been reported in the literature in individuals affected with CD3G-related conditions. This variant is not present in population databases (gnomAD no frequency). This sequence change replaces asparagine, which is neutral and polar, with histidine, which is basic and polar, at codon 156 of the CD3G protein (p.Asn156His).

NM_000073.3(CD3G):c.466A>C (p.Asn156His)

Gene: CD3G (CD3 gamma subunit of T-cell receptor complex; plus strand). Cytogenetic location: 11q23.3.
Variant type: single nucleotide variant.
Coding change: c.466A>C on transcript NM_000073.3 (MANE Select); coding-DNA position 466, A replaced by C.
Protein change: p.Asn156His; replaces asparagine 156 with histidine.
Molecular consequence: missense variant.
Genome position (GRCh38, 1-based): chr11:118,351,654, A>C. VCF-style: chr11-118351654-A-C. GRCh37 (hg19) VCF-style: chr11-118222369-A-C.
Other names: short protein forms N156H.
Identifiers: ClinVar variation 1461017 (VCV001461017.8), dbSNP rs1948410922, ClinGen allele CA382794307.